The following is an entry in ClinVar:

NM_000066.4(C8B):c.1355G>A (p.Trp452Ter)

Gene: C8B (complement C8 beta chain; minus strand). Cytogenetic location: 1p32.2.
Variant type: single nucleotide variant.
Coding change: c.1355G>A on transcript NM_000066.4 (MANE Select); coding-DNA position 1355, G replaced by A.
Protein change: p.Trp452Ter; replaces tryptophan 452 with a stop codon.
Molecular consequence: nonsense.
Genome position (GRCh38, 1-based): chr1:56,940,892, C>T on the plus strand (G>A on the coding strand, the complement: C8B is on the minus strand). VCF-style: chr1-56940892-C-T. GRCh37 (hg19) VCF-style: chr1-57406565-C-T.
Other names: c.1199G>A, p.Trp400Ter (NM_001278543.2); c.1169G>A, p.Trp390Ter (NM_001278544.2); c.1355G>A (NM_000066.3); short protein forms W390*, W400*, W452*.
Identifiers: ClinVar variation 1450812 (VCV001450812.7), dbSNP rs200077558, ClinGen allele CA340522198.

ClinVar aggregate classification (germline): Pathogenic/Likely pathogenic. Review status: criteria provided, multiple submitters, no conflicts (2 of 4 stars). 2 submissions from 2 submitters: Pathogenic (1); Likely pathogenic (1). Last evaluated 2026-03-02.

Conditions:
C8B-related disorder. Also called: C8B-related condition.

gnomAD v4.1: 21 of 1,613,910 alleles (0.0013%); highest among the groups gnomAD compares: Non-Finnish European, 0.0017%; no homozygotes.

Submissions (2):

PreventionGenetics, part of Exact Sciences
Classification: Likely pathogenic for C8B-related condition. Last evaluated: 2026-03-02. Review status: criteria provided, single submitter. Criteria: ACMG Guidelines, 2015. Collection method: clinical testing. Allele origin: germline.
Comment: The C8B c.1355G>A variant is predicted to result in premature protein termination (p.Trp452*). To our knowledge this variant has not been reported in the literature in individuals with C8B-related conditions. This variant is reported in 0.0040% of alleles in individuals of African descent in gnomAD. Nonsense variants in C8B are expected to be pathogenic. This variant is interpreted as likely pathogenic.

Labcorp Genetics (formerly Invitae), Labcorp
Classification: Pathogenic. Last evaluated: 2024-09-11. Review status: criteria provided, single submitter. Criteria: Invitae Variant Classification Sherloc (09022015). Collection method: clinical testing. Allele origin: germline.
Comment: This sequence change creates a premature translational stop signal (p.Trp452*) in the C8B gene. It is expected to result in an absent or disrupted protein product. Loss-of-function variants in C8B are known to be pathogenic (PMID: 7594510). This variant is present in population databases (no rsID available, gnomAD 0.004%). This variant has not been reported in the literature in individuals affected with C8B-related conditions. ClinVar contains an entry for this variant (Variation ID: 1450812). For these reasons, this variant has been classified as Pathogenic.

Literature cited by the submitters: PubMed 7594510 (cited by Labcorp Genetics (formerly Invitae), Labcorp).